The following is an entry in ClinVar:

NM_000110.4(DPYD):c.2966G>A (p.Cys989Tyr)

Gene: DPYD (dihydropyrimidine dehydrogenase; minus strand). Cytogenetic location: 1p21.3.
Variant type: single nucleotide variant.
Coding change: c.2966G>A on transcript NM_000110.4 (MANE Select); coding-DNA position 2966, G replaced by A.
Protein change: p.Cys989Tyr; replaces cysteine 989 with tyrosine.
Molecular consequence: missense variant.
Genome position (GRCh38, 1-based): chr1:97,079,088, C>T on the plus strand (G>A on the coding strand, the complement: DPYD is on the minus strand). VCF-style: chr1-97079088-C-T. GRCh37 (hg19) VCF-style: chr1-97544644-C-T.
Other names: short protein forms C989Y.
Identifiers: ClinVar variation 4870090 (VCV004870090.1).

ClinVar aggregate classification (germline): Uncertain significance (1 of 4 stars; one submission).

Conditions:
Inborn genetic diseases. Identifiers: MedGen C0950123, MeSH D030342.

Submission:

Ambry Genetics
Classification: Uncertain significance for Inborn genetic diseases. Last evaluated: 2026-05-14. Review status: criteria provided, single submitter. Criteria: Ambry Variant Classification Scheme 2023. Collection method: clinical testing. Allele origin: germline.
Comment: The p.C989Y variant (also known as c.2966G>A), located in coding exon 23 of the DPYD gene, results from a G to A substitution at nucleotide position 2966. The cysteine at codon 989 is replaced by tyrosine, an amino acid with highly dissimilar properties. This amino acid position is conserved. In addition, this alteration is predicted to be deleterious by in silico analysis. Based on the available evidence, the clinical significance of this variant remains unclear.